The following is an entry in ClinVar:

ClinVar aggregate classification (germline): Conflicting classifications of pathogenicity. Review status: criteria provided, conflicting classifications (1 of 4 stars). 5 submissions from 5 submitters: Uncertain significance (4); Likely benign (1). Last evaluated 2025-09-10.

Conditions:
Hereditary cancer-predisposing syndrome. Also called: Hereditary neoplastic syndrome; Hereditary Cancer Syndrome; Neoplastic Syndromes, Hereditary; Tumor predisposition. Identifiers: Orphanet 140162, MedGen C0027672, MeSH D009386, MONDO:0015356.
Hereditary breast ovarian cancer syndrome. Also called: Hereditary breast and ovarian cancer syndrome; Hereditary breast and ovarian cancer syndrome (HBOC); Breast and ovarian cancer; Hereditary breast and/or ovarian cancer syndrome; Hereditary breast and ovarian cancer; BRCA1- and BRCA2-Associated Hereditary Breast and Ovarian Cancer. Identifiers: Orphanet 145, MedGen C0677776, MeSH D061325, MONDO:0003582. Disease mechanism: loss of function.

Submissions (5):

Labcorp Genetics (formerly Invitae), Labcorp
Classification: Uncertain significance for Hereditary breast ovarian cancer syndrome. Last evaluated: 2025-09-10. Review status: criteria provided, single submitter. Criteria: Invitae Variant Classification Sherloc (09022015). Collection method: clinical testing. Allele origin: germline.
Comment: This sequence change replaces cysteine, which is neutral and slightly polar, with tyrosine, which is neutral and polar, at codon 3304 of the BRCA2 protein (p.Cys3304Tyr). This variant is not present in population databases (gnomAD no frequency). This variant has not been reported in the literature in individuals affected with BRCA2-related conditions. ClinVar contains an entry for this variant (Variation ID: 230326). Invitae Evidence Modeling of protein sequence and biophysical properties (such as structural, functional, and spatial information, amino acid conservation, physicochemical variation, residue mobility, and thermodynamic stability) indicates that this missense variant is not expected to disrupt BRCA2 protein function with a negative predictive value of 95%. In summary, the available evidence is currently insufficient to determine the role of this variant in disease. Therefore, it has been classified as a Variant of Uncertain Significance.

Ambry Genetics
Classification: Likely benign for Hereditary cancer-predisposing syndrome. Last evaluated: 2025-04-16. Review status: criteria provided, single submitter. Criteria: Ambry Variant Classification Scheme 2023. Collection method: clinical testing. Allele origin: germline.

Women's Health and Genetics/Laboratory Corporation of America, LabCorp
Classification: Uncertain significance. Last evaluated: 2024-11-12. Review status: criteria provided, single submitter. Criteria: LabCorp Variant Classification Summary - May 2015. Collection method: clinical testing. Allele origin: germline.
Comment: Variant summary: BRCA2 c.9911G>A (p.Cys3304Tyr) results in a non-conservative amino acid change located in the BRCA2 TR2 domain (IPR055077) of the encoded protein sequence. Four of five in-silico tools predict a damaging effect of the variant on protein function. The variant was absent in 251252 control chromosomes. The available data on variant occurrences in the general population are insufficient to allow any conclusion about variant significance. To our knowledge, no occurrence of c.9911G>A in individuals affected with Hereditary Breast And Ovarian Cancer Syndrome and no experimental evidence demonstrating its impact on protein function have been reported. ClinVar contains an entry for this variant (Variation ID: 230326). Based on the evidence outlined above, the variant was classified as uncertain significance.

Quest Diagnostics Nichols Institute San Juan Capistrano
Classification: Uncertain significance. Last evaluated: 2024-07-03. Review status: criteria provided, single submitter. Criteria: Quest Diagnostics criteria. Collection method: clinical testing. Allele origin: unknown.
Comment: The BRCA2 c.9911G>A (p.Cys3304Tyr) variant has not been reported as a germline variant in individuals with BRCA2-related conditions in the published literature. However, it has been described as functionally neutral based on a computational analysis (PMID: 29884841 (2019)). The frequency of this variant in the general population, 0.00071 (13/18346 chromosomes in East Asian subpopulation (Genome Aggregation Database)), is higher than would generally be expected for pathogenic variants in this gene. Analysis of this variant using bioinformatics tools for the prediction of the effect of amino acid changes on protein structure and function yielded conflicting predictions that this variant is benign or damaging. Based on the available information, we are unable to determine the clinical significance of this variant.

GeneDx
Classification: Uncertain significance. Last evaluated: 2024-05-10. Review status: criteria provided, single submitter. Criteria: GeneDx Variant Classification Process June 2021. Collection method: clinical testing. Allele origin: germline. Affected: yes.
Comment: Not observed at significant frequency in large population cohorts (gnomAD); In silico analysis supports that this missense variant has a deleterious effect on protein structure/function; Has not been previously published as pathogenic or benign to our knowledge; Also known as 10139G>A

Literature cited by the submitters: PubMed 31911673 (cited by Quest Diagnostics Nichols Institute San Juan Capistrano); PubMed 29416916 (cited by Quest Diagnostics Nichols Institute San Juan Capistrano); PubMed 29884841 (cited by Quest Diagnostics Nichols Institute San Juan Capistrano).

NM_000059.4(BRCA2):c.9911G>A (p.Cys3304Tyr)

Gene: BRCA2 (BRCA2 DNA repair associated; plus strand). Cytogenetic location: 13q13.1.
Variant type: single nucleotide variant.
Coding change: c.9911G>A on transcript NM_000059.4 (MANE Select); coding-DNA position 9911, G replaced by A.
Protein change: p.Cys3304Tyr; replaces cysteine 3304 with tyrosine.
Molecular consequence: missense variant.
Genome position (GRCh38, 1-based): chr13:32,398,424, G>A. VCF-style: chr13-32398424-G-A. GRCh37 (hg19) VCF-style: chr13-32972561-G-A.
Other names: short protein forms C3304Y.
Identifiers: ClinVar variation 230326 (VCV000230326.17), dbSNP rs876658506, ClinGen allele CA10579850.